The following is an entry in ClinVar:

NM_024408.4(NOTCH2):c.3695G>T (p.Gly1232Val)

Gene: NOTCH2 (notch receptor 2; minus strand). Cytogenetic location: 1p12.
Variant type: single nucleotide variant.
Coding change: c.3695G>T on transcript NM_024408.4 (MANE Select); coding-DNA position 3695, G replaced by T.
Protein change: p.Gly1232Val; replaces glycine 1232 with valine.
Molecular consequence: missense variant.
Genome position (GRCh38, 1-based): chr1:119,929,173, C>A on the plus strand (G>T on the coding strand, the complement: NOTCH2 is on the minus strand). VCF-style: chr1-119929173-C-A. GRCh37 (hg19) VCF-style: chr1-120471796-C-A.
Other names: short protein forms G1232V.
Identifiers: ClinVar variation 3201364 (VCV003201364.2), dbSNP rs782399497, ClinGen allele CA1039980.

ClinVar aggregate classification (germline): Uncertain significance. Review status: criteria provided, multiple submitters, no conflicts (2 of 4 stars). 2 submissions from 2 submitters: Uncertain significance (2). Last evaluated 2025-05-27.

Conditions:
NOTCH2-related disorder. Also called: NOTCH2-related condition.
Inborn genetic diseases. Identifiers: MedGen C0950123, MeSH D030342.

Allele frequency attached by ClinVar (database versions not stated): gnomAD exomes below 0.00001; ExAC 0.00002; gnomAD 0.00003; TOPMed 0.00006.
gnomAD v4.1: 7 of 1,614,062 alleles (0.00043%); highest among the groups gnomAD compares: African/African-American, 0.008%; no homozygotes.

Submissions (2):

PreventionGenetics, part of Exact Sciences
Classification: Uncertain significance for NOTCH2-related condition. Last evaluated: 2025-05-27. Review status: criteria provided, single submitter. Criteria: ACMG Guidelines, 2015. Collection method: clinical testing. Allele origin: germline.
Comment: The NOTCH2 c.3695G>T variant is predicted to result in the amino acid substitution p.Gly1232Val. To our knowledge, this variant has not been reported in the literature. This variant is reported in 0.012% of alleles in individuals of African descent in gnomAD. At this time, the clinical significance of this variant is uncertain due to the absence of conclusive functional and genetic evidence.

Ambry Genetics
Classification: Uncertain significance for Inborn genetic diseases. Last evaluated: 2022-11-08. Review status: criteria provided, single submitter. Criteria: Ambry Variant Classification Scheme 2023. Collection method: clinical testing. Allele origin: germline.